The following is an entry in ClinVar:

ClinVar aggregate classification (germline): Uncertain significance (1 of 4 stars; one submission).

gnomAD v4.1: 4 of 1,404,256 alleles (0.00028%); highest among the groups gnomAD compares: Non-Finnish European, 0.00037%; no homozygotes.

Submission:

GeneDx
Classification: Uncertain significance. Last evaluated: 2024-12-19. Review status: criteria provided, single submitter. Criteria: GeneDx Variant Classification Process June 2021. Collection method: clinical testing. Allele origin: germline. Affected: yes.
Comment: Not observed at significant frequency in large population cohorts (gnomAD); In silico analysis indicates that this missense variant does not alter protein structure/function; Has not been previously published as pathogenic or benign to our knowledge

NM_020433.5(JPH2):c.1501G>A (p.Val501Met)

Gene: JPH2 (junctophilin 2; minus strand). Cytogenetic location: 20q13.12.
Variant type: single nucleotide variant.
Coding change: c.1501G>A on transcript NM_020433.5 (MANE Select); coding-DNA position 1501, G replaced by A.
Protein change: p.Val501Met; replaces valine 501 with methionine.
Molecular consequence: missense variant.
Genome position (GRCh38, 1-based): chr20:44,116,174, C>T on the plus strand (G>A on the coding strand, the complement: JPH2 is on the minus strand). VCF-style: chr20-44116174-C-T. GRCh37 (hg19) VCF-style: chr20-42744814-C-T.
Other names: short protein forms V501M.
Identifiers: ClinVar variation 3906372 (VCV003906372.1).
Genomic context (GRCh38, chr20:44,116,174, plus strand): 5'-TGCCCTCACCGCTGGGCTCGCCGTTCCAGGCGCCTGGGCTCAGCAGGCCGTCCTTGGACA[C>T]CCCGGGCCTGGGCCGCTTGGGCTGCGGGGGCGTCCCGGCCGGTGACGGGGAGCCACCCTC-3'
Protein context (NP_065166.2, residues 491-511): PPQPKRPRPG[Val501Met]SKDGLLSPGA